The following is an entry in ClinVar:

NM_025179.4(PLXNA2):c.1506+5G>A

Gene: PLXNA2 (plexin A2; minus strand). Cytogenetic location: 1q32.2.
Variant type: single nucleotide variant.
Coding change: c.1506+5G>A on transcript NM_025179.4 (MANE Select); 5 bases into the intron after coding-DNA position 1506, G replaced by A.
Molecular consequence: intron variant.
Genome position (GRCh38, 1-based): chr1:208,142,324, C>T on the plus strand (G>A on the coding strand, the complement: PLXNA2 is on the minus strand). VCF-style: chr1-208142324-C-T. GRCh37 (hg19) VCF-style: chr1-208315669-C-T.
Identifiers: ClinVar variation 3052649 (VCV003052649.2), dbSNP rs765602184, ClinGen allele CA1373831.
Genomic context (GRCh38, chr1:208,142,324, plus strand): 5'-CAAAGGTGACAGATTATCAGCAGTTTCTTGGAGTTTGGAAAGCAGAGATGGATGTTAGCA[C>T]TTACCTGTCTCTCAGACATGACGTACAGGTAGCGCTGATCAATGGAGAAGGCCATGTCCC-3'

ClinVar aggregate classification (germline): Likely benign (0 of 4 stars; one submission).

Conditions:
PLXNA2-related disorder. Also called: PLXNA2-related condition.

Allele frequency attached by ClinVar (database versions not stated): ExAC 0.00001; gnomAD exomes 0.00001; TOPMed 0.00002.
gnomAD v4.1: 7 of 1,589,518 alleles (0.00044%); highest among the groups gnomAD compares: Admixed American, 0.011%; no homozygotes.

Submission:

PreventionGenetics, part of Exact Sciences
Classification: Likely benign for PLXNA2-related condition. Last evaluated: 2022-11-23. Review status: no assertion criteria provided. Collection method: clinical testing. Allele origin: germline.
Comment: This variant is classified as likely benign based on ACMG/AMP sequence variant interpretation guidelines (Richards et al. 2015 PMID: 25741868, with internal and published modifications).